The following is an entry in ClinVar:

ClinVar aggregate classification (germline): Uncertain significance (1 of 4 stars; one submission).

Submission:

Labcorp Genetics (formerly Invitae), Labcorp
Classification: Uncertain significance. Last evaluated: 2023-11-01. Review status: criteria provided, single submitter. Criteria: Invitae Variant Classification Sherloc (09022015). Collection method: clinical testing. Allele origin: germline.
Comment: This sequence change replaces tyrosine, which is neutral and polar, with phenylalanine, which is neutral and non-polar, at codon 185 of the TUBA8 protein (p.Tyr185Phe). This variant is present in population databases (rs758782368, gnomAD 0.002%). This variant has not been reported in the literature in individuals affected with TUBA8-related conditions. ClinVar contains an entry for this variant (Variation ID: 1353064). Advanced modeling of protein sequence and biophysical properties (such as structural, functional, and spatial information, amino acid conservation, physicochemical variation, residue mobility, and thermodynamic stability) performed at Invitae indicates that this missense variant is expected to disrupt TUBA8 protein function with a positive predictive value of 80%. In summary, the available evidence is currently insufficient to determine the role of this variant in disease. Therefore, it has been classified as a Variant of Uncertain Significance.

NM_018943.3(TUBA8):c.554A>T (p.Tyr185Phe)

Gene: TUBA8 (tubulin alpha 8; plus strand). Cytogenetic location: 22q11.21.
Variant type: single nucleotide variant.
Coding change: c.554A>T on transcript NM_018943.3 (MANE Select); coding-DNA position 554, A replaced by T.
Protein change: p.Tyr185Phe; replaces tyrosine 185 with phenylalanine.
Molecular consequence: missense variant.
Genome position (GRCh38, 1-based): chr22:18,126,532, A>T. VCF-style: chr22-18126532-A-T. GRCh37 (hg19) VCF-style: chr22-18609299-A-T.
Other names: c.356A>T, p.Tyr119Phe (NM_001193414.2); short protein forms Y119F, Y185F.
Identifiers: ClinVar variation 1353064 (VCV001353064.8), dbSNP rs758782368, ClinGen allele CA10093705.